The following is an entry in ClinVar:

ClinVar aggregate classification (germline): Uncertain significance (1 of 4 stars; one submission).

Conditions:
Cardiovascular phenotype. Identifiers: MedGen CN230736.

Allele frequency attached by ClinVar (database versions not stated): gnomAD exomes below 0.00001; ExAC 0.00001.
gnomAD v4.1: 3 of 1,614,076 alleles (0.00019%); highest among the groups gnomAD compares: Non-Finnish European, 0.00025%; no homozygotes.

Submission:

Ambry Genetics
Classification: Uncertain significance for Cardiovascular phenotype. Last evaluated: 2023-06-05. Review status: criteria provided, single submitter. Criteria: Ambry Variant Classification Scheme 2023. Collection method: clinical testing. Allele origin: germline.
Comment: The p.A241V variant (also known as c.722C>T), located in coding exon 7 of the DSG2 gene, results from a C to T substitution at nucleotide position 722. The alanine at codon 241 is replaced by valine, an amino acid with similar properties. This amino acid position is conserved. In addition, this alteration is predicted to be tolerated by in silico analysis. Since supporting evidence is limited at this time, the clinical significance of this alteration remains unclear.

NM_001943.5(DSG2):c.722C>T (p.Ala241Val)

Gene: DSG2 (desmoglein 2; plus strand). Cytogenetic location: 18q12.1.
Variant type: single nucleotide variant.
Coding change: c.722C>T on transcript NM_001943.5 (MANE Select); coding-DNA position 722, C replaced by T.
Protein change: p.Ala241Val; replaces alanine 241 with valine.
Molecular consequence: missense variant.
Genome position (GRCh38, 1-based): chr18:31,524,479, C>T. VCF-style: chr18-31524479-C-T. GRCh37 (hg19) VCF-style: chr18-29104442-C-T.
Other names: short protein forms A241V.
Identifiers: ClinVar variation 2563313 (VCV002563313.2), dbSNP rs753505150, ClinGen allele CA049836.